The following is an entry in ClinVar:

ClinVar aggregate classification (germline): Uncertain significance. Review status: criteria provided, multiple submitters, no conflicts (2 of 4 stars). 2 submissions from 2 submitters: Uncertain significance (2). Last evaluated 2026-03-03.

Conditions:
Inborn genetic diseases. Identifiers: MedGen C0950123, MeSH D030342.

gnomAD v4.1: 53 of 1,607,672 alleles (0.0033%); highest among the groups gnomAD compares: East Asian, 0.085%; no homozygotes.

Submissions (2):

GeneDx
Classification: Uncertain significance. Last evaluated: 2026-03-03. Review status: criteria provided, single submitter. Criteria: GeneDx Variant Classification Process June 2021. Collection method: clinical testing. Allele origin: germline.
Comment: In silico analysis suggests that this missense variant does not alter protein structure/function; Has not been previously published as pathogenic or benign to our knowledge

Ambry Genetics
Classification: Uncertain significance for Inborn genetic diseases. Last evaluated: 2025-08-29. Review status: criteria provided, single submitter. Criteria: Ambry Variant Classification Scheme 2023. Collection method: clinical testing. Allele origin: germline.

NM_001378609.3(OTOGL):c.4723G>A (p.Glu1575Lys)

Gene: OTOGL (otogelin like; plus strand). Cytogenetic location: 12q21.31.
Variant type: single nucleotide variant.
Coding change: c.4723G>A on transcript NM_001378609.3 (MANE Select); coding-DNA position 4723, G replaced by A.
Protein change: p.Glu1575Lys; replaces glutamic acid 1575 with lysine.
Molecular consequence: missense variant.
Genome position (GRCh38, 1-based): chr12:80,336,535, G>A. VCF-style: chr12-80336535-G-A. GRCh37 (hg19) VCF-style: chr12-80730315-G-A.
Other names: c.4588G>A, p.Glu1530Lys (NM_001368062.3); c.4723G>A, p.Glu1575Lys (NM_001378610.3, NM_173591.7); short protein forms E1530K, E1575K.
Identifiers: ClinVar variation 4129298 (VCV004129298.2).
Genomic context (GRCh38, chr12:80,336,535, plus strand): 5'-TATAGCATGGCTTCTTATATCTTAGTAAGAATTCCTGGTGAAATTATAGTTGCTCATATC[G>A]AAAAATGTTCCATGAATCAGGTGGGTCATAATTTATTTTTGCAGTCATTTCATCATAAAT-3'
Protein context (NP_001365538.2, residues 1565-1585): IPGEIIVAHI[Glu1575Lys]KCSMNQNGNS